The following continues an entry in ClinVar:

NM_016038.4(SBDS):c.183_184delinsCT (p.Lys62Ter)

Gene: SBDS. ClinVar aggregate classification (germline): Pathogenic. Pathogenic (21).

Submissions 14 to 24 of 24:

Baylor Genetics
Classification: Pathogenic for Shwachman-Diamond syndrome 1. Last evaluated: 2021-12-21. Review status: criteria provided, single submitter. Criteria: ACMG Guidelines, 2015. Collection method: clinical testing. Allele origin: unknown. Affected: yes. Study: CSER-TexasKidsCanSeq.
Comment: This variant was determined to be pathogenic according to ACMG Guidelines, 2015 [PMID:25741868].

Fulgent Genetics
Classification: Pathogenic for Shwachman-Diamond syndrome 1; Aplastic anemia. Last evaluated: 2021-07-09. Review status: criteria provided, single submitter. Criteria: ACMG Guidelines, 2015. Collection method: clinical testing. Allele origin: unknown.

Genetics Laboratory, Department of Biology, Semnan University
Classification: Pathogenic for Shwachman-Diamond syndrome 1. Last evaluated: 2020-12-30. Review status: criteria provided, single submitter. Criteria: ACMG Guidelines, 2015. Collection method: case-control. Allele origin: inherited. Inheritance: Autosomal recessive inheritance. Affected: yes. Observed: 1 compound heterozygote.
Comment: The identified mutation changes the splicing process of SBDS gene.

GeneDx
Classification: Pathogenic. Last evaluated: 2019-11-18. Review status: criteria provided, single submitter. Criteria: GeneDx Variant Classification Process June 2021. Collection method: clinical testing. Allele origin: germline. Affected: yes.
Comment: Nonsense variant predicted to result in protein truncation or nonsense mediated decay in a gene for which loss-of-function is a known mechanism of disease; This variant is associated with the following publications: (PMID: 14749921, 24388329, 25729736, 32098966, 22934832, 15860664, 22935661, 12496757, 15342903, 25844324, 24629175, 26081292, 29444436, 29892551, 28485484, 29375851, 29753700, 15942154, 16007594, 15474150, 30198570, 17920346, 30105119, 15701631, 21695142, 30894704, 32293785, 31589614)

Genetic Services Laboratory, University of Chicago
Classification: Pathogenic for Shwachman-Diamond syndrome. Last evaluated: 2016-10-27. Review status: criteria provided, single submitter. Criteria: ACMG Guidelines, 2015. Collection method: clinical testing. Allele origin: germline. Affected: yes.

Eurofins Ntd Llc (ga)
Classification: Pathogenic. Last evaluated: 2016-01-08. Review status: criteria provided, single submitter. Criteria: EGL Classification Definitions 2015. Collection method: clinical testing. Allele origin: germline. Observed: 1 variant allele, 1 heterozygote.

Center for Genomics, Ann and Robert H. Lurie Children's Hospital of Chicago
Classification: Pathogenic for Aplastic anemia; Shwachman-Diamond syndrome 1. Review status: criteria provided, single submitter. Criteria: ACMG Guidelines, 2015. Collection method: clinical testing. Allele origin: germline.
Comment: This variant is very well described in the literature in association with Shwachman-Diamond syndrome and is one of the most common pathogenic variants in the SBDS gene, most often found in trans with c.258+2T>C (Boocock 2003 PMID:12496757; Shammas 2005 PMID:15701631; Nelson 2018 PMID:20301722). It is present in the Genome Aggregation Database (Highest reported MAF: 0.05% [9/19936]); please note, disease-causing variants may be present in control databases at low frequencies, reflective of the general population, carrier status, and/or variable expressivity. It is present in ClinVar, with several laboratories classifying it was pathogenic (Variation ID:3195). This variant creates a premature stop at this codon which results in an abnormal protein, and has been experimentally confirmed to result in a loss of protein function due to impaired cytoplasmic localization in vitro (Shammas 2005 PMID:15701631; Orelio 2011 PMID:21695142). Loss of function is a known mechanism of disease for this gene (Nelson 2018 PMID:20301722). Importantly, this variant has been documented to be present in a highly homologous pseudogene of SBDS, and is often introduced into the functional SBDS gene via a gene conversion event; gene conversion events involving SBDS and its pseudogene (SBDSP1) are a well-documented cause of Shwachman-Diamond syndrome in some individuals (Boocock 2003 PMID:12496757; Nelson 2018 PMID:20301722). In summary, this variant is classified as pathogenic.

Juno Genomics, Hangzhou Juno Genomics, Inc
Classification: Pathogenic for Shwachman-Diamond syndrome 1; Aplastic anemia. Review status: criteria provided, single submitter. Criteria: ACMG Guidelines, 2015. Collection method: clinical testing. Allele origin: germline.
Comment: Null variant in a gene where loss of function (LOF) is a known mechanism of disease.;For recessive disorders, detected in trans with a pathogenic variant.;Patient's phenotype or family history is highly specific for a disease with a single genetic etiology.

Department of Reproductive Genetics, International Peace Maternity and Child Health Hospital, Shanghai Jiao Tong University School of Medicine
Classification: Pathogenic for Shwachman-Diamond syndrome. Last evaluated: 2025-05-01. Review status: no assertion criteria provided. Collection method: clinical testing. Allele origin: inherited. Affected: yes. Not counted in ClinVar's aggregate classification.
Comment: The c.183_184delTAinsCT variant in the SBDS gene introduces a premature stop codon at amino acid position 62, resulting in predicted nonsense-mediated mRNA decay or truncated protein. This variant is one of the most common pathogenic alleles associated with autosomal recessive Shwachman-Diamond syndrome (SDS). In multiple families, it was found in trans with pathogenic as part of compound heterozygosity.

OMIM
Classification: Pathogenic for SHWACHMAN-DIAMOND SYNDROME 1. Last evaluated: 2005-07-01. Review status: no assertion criteria provided. Collection method: literature only. Allele origin: germline. Not counted in ClinVar's aggregate classification.

GeneReviews
No classification provided. Condition: Shwachman-Diamond syndrome 1. Review status: no classification provided. Collection method: literature only. Allele origin: germline. Not counted in ClinVar's aggregate classification.

Literature cited by the submitters: PubMed 12496757 (cited by 5 submitters); PubMed 15701631 (cited by 3 submitters); PubMed 15942154 (cited by Ambry Genetics and Mayo Clinic Laboratories, Mayo Clinic); PubMed 24388329 (cited by 3 submitters); PubMed 29375851 (cited by Laboratory for Molecular Medicine, Mass General Brigham Personalized Medicine); PubMed 15342903 (cited by Laboratory for Molecular Medicine, Mass General Brigham Personalized Medicine); PubMed 14749921 (cited by Laboratory for Molecular Medicine, Mass General Brigham Personalized Medicine); PubMed 15860664 (cited by Laboratory for Molecular Medicine, Mass General Brigham Personalized Medicine); PubMed 21695142 (cited by 3 submitters); PubMed 22934832 (cited by Laboratory for Molecular Medicine, Mass General Brigham Personalized Medicine); PubMed 22935661 (cited by Laboratory for Molecular Medicine, Mass General Brigham Personalized Medicine); PubMed 24629175 (cited by Laboratory for Molecular Medicine, Mass General Brigham Personalized Medicine); PubMed 25729736 (cited by Laboratory for Molecular Medicine, Mass General Brigham Personalized Medicine); PubMed 25844324 (cited by Laboratory for Molecular Medicine, Mass General Brigham Personalized Medicine); PubMed 26081292 (cited by Laboratory for Molecular Medicine, Mass General Brigham Personalized Medicine); PubMed 29753700 (cited by Laboratory for Molecular Medicine, Mass General Brigham Personalized Medicine); PubMed 35322185 (cited by Johns Hopkins Genomics, Johns Hopkins University and Department of Reproductive Genetics, International Peace Maternity and Child Health Hospital, Shanghai Jiao Tong University School of Medicine); PubMed 15769891 (cited by Mayo Clinic Laboratories, Mayo Clinic and OMIM); PubMed 30413969 (cited by Victorian Clinical Genetics Services, Murdoch Childrens Research Institute); PubMed 38240987 (cited by Department of Reproductive Genetics, International Peace Maternity and Child Health Hospital, Shanghai Jiao Tong University School of Medicine); PubMed 19148133 (cited by Department of Reproductive Genetics, International Peace Maternity and Child Health Hospital, Shanghai Jiao Tong University School of Medicine); PubMed 24330988 (cited by Department of Reproductive Genetics, International Peace Maternity and Child Health Hospital, Shanghai Jiao Tong University School of Medicine); PubMed 38651168 (cited by Department of Reproductive Genetics, International Peace Maternity and Child Health Hospital, Shanghai Jiao Tong University School of Medicine); PubMed 36162759 (cited by Department of Reproductive Genetics, International Peace Maternity and Child Health Hospital, Shanghai Jiao Tong University School of Medicine); PubMed 37532492 (cited by Department of Reproductive Genetics, International Peace Maternity and Child Health Hospital, Shanghai Jiao Tong University School of Medicine); PubMed 32412173 (cited by OMIM).